The following is an entry in ClinVar:

ClinVar aggregate classification (germline): Uncertain significance (1 of 4 stars; one submission).

Conditions:
Neurofibromatosis, type 2 (SWNV). Also called: BILATERAL ACOUSTIC NEUROFIBROMATOSIS; NF2-Related Schwannomatosis; SCHWANNOMATOSIS, VESTIBULAR. Identifiers: Orphanet 637, MedGen C0027832, MONDO:0007039, OMIM 101000. Disease mechanism: loss of function.

Submission:

Labcorp Genetics (formerly Invitae), Labcorp
Classification: Uncertain significance for Neurofibromatosis, type 2. Last evaluated: 2024-01-02. Review status: criteria provided, single submitter. Criteria: Invitae Variant Classification Sherloc (09022015). Collection method: clinical testing. Allele origin: germline.
Comment: This sequence change creates a premature translational stop signal (p.Arg588Profs*6) in the NF2 gene. While this is not anticipated to result in nonsense mediated decay, it is expected to disrupt the last 8 amino acid(s) of the NF2 protein. This variant is not present in population databases (gnomAD no frequency). This variant has not been reported in the literature in individuals affected with NF2-related conditions. Experimental studies and prediction algorithms are not available or were not evaluated, and the functional significance of this variant is currently unknown. In summary, the available evidence is currently insufficient to determine the role of this variant in disease. Therefore, it has been classified as a Variant of Uncertain Significance.

NM_000268.4(NF2):c.1762dup (p.Arg588fs)

Gene: NF2 (NF2, moesin-ezrin-radixin like (MERLIN) tumor suppressor; plus strand). Cytogenetic location: 22q12.2.
Variant type: Duplication.
Coding change: c.1762dup on transcript NM_000268.4 (MANE Select); coding-DNA position 1762, one base duplicated (C; older notation c.1762dupC).
Protein change: p.Arg588fs; shifts the reading frame from arginine 588.
Molecular consequence: frameshift variant. On other transcripts: 3 prime UTR variant (11), non-coding transcript variant (1).
Genome position (GRCh38, 1-based): chr22:29,694,776, C duplicated; the last of 3 consecutive C bases (chr22:29,694,774-29,694,776); duplicating any one gives the same sequence. VCF-style (leftmost placement, unchanged base first): chr22-29694773-T-TC. GRCh37 (hg19) VCF-style: chr22-30090762-T-TC.
Other names: c.*34dup (NM_181828.3, NM_181829.3, NM_181830.3 and 5 more transcripts); c.*49dup (NM_181832.3, NM_001407058.1, NM_001407063.1); c.472dup, p.Arg158fs (NM_181833.3); c.1648dup, p.Arg550fs (NM_001407053.1); c.1639dup, p.Arg547fs (NM_001407054.1); c.1636dup, p.Arg546fs (NM_001407055.1); c.1627dup, p.Arg543fs (NM_001407057.1); c.1599dup, p.Glu534fs (NM_001407060.1); and 2 more; short protein forms E451fs, R158fs, R543fs, R547fs, R588fs, R502fs, E534fs, R546fs.
Identifiers: ClinVar variation 2826007 (VCV002826007.3), dbSNP rs2518808052, ClinGen allele CA2739267869.